The following is an entry in ClinVar:

NM_001972.4(ELANE):c.116A>G (p.His39Arg)

Gene: ELANE (elastase, neutrophil expressed; plus strand). Cytogenetic location: 19p13.3.
Variant type: single nucleotide variant.
Coding change: c.116A>G on transcript NM_001972.4 (MANE Select); coding-DNA position 116, A replaced by G.
Protein change: p.His39Arg; replaces histidine 39 with arginine.
Molecular consequence: missense variant.
Genome position (GRCh38, 1-based): chr19:852,924, A>G. VCF-style: chr19-852924-A-G. GRCh37 (hg19) VCF-style: chr19-852924-A-G.
Other names: short protein forms H39R.
Identifiers: ClinVar variation 4618408 (VCV004618408.1).

ClinVar aggregate classification (germline): Uncertain significance (1 of 4 stars; one submission).

Conditions:
Inborn genetic diseases. Identifiers: MedGen C0950123, MeSH D030342.

Submission:

Ambry Genetics
Classification: Uncertain significance for Inborn genetic diseases. Last evaluated: 2025-11-02. Review status: criteria provided, single submitter. Criteria: Ambry Variant Classification Scheme 2023. Collection method: clinical testing. Allele origin: germline.
Comment: The p.H39R variant (also known as c.116A>G), located in coding exon 2 of the ELANE gene, results from an A to G substitution at nucleotide position 116. The histidine at codon 39 is replaced by arginine, an amino acid with highly similar properties. This amino acid position is conserved. In addition, the in silico prediction for this alteration is inconclusive. Based on the available evidence, the clinical significance of this variant remains unclear.